The following is an entry in ClinVar:

ClinVar aggregate classification (germline): Uncertain significance (1 of 4 stars; one submission).

gnomAD v4.1: 4 of 1,613,966 alleles (0.00025%); highest among the groups gnomAD compares: South Asian, 0.0033%; no homozygotes.

Submission:

Ambry Genetics
Classification: Uncertain significance. Last evaluated: 2026-06-27. Review status: criteria provided, single submitter. Criteria: Ambry Variant Classification Scheme 2023. Collection method: clinical testing. Allele origin: germline.
Comment: The p.L2078F variant (also known as c.6232C>T), located in coding exon 26 of the WNK2 gene, results from a C to T substitution at nucleotide position 6232. The leucine at codon 2078 is replaced by phenylalanine, an amino acid with highly similar properties. This amino acid position is conserved. In addition, the in silico prediction for this alteration is inconclusive. Based on the available evidence, the clinical significance of this variant remains unclear.

NM_006648.4(WNK2):c.6232C>T (p.Leu2078Phe)

Gene: WNK2 (WNK lysine deficient protein kinase 2; plus strand). Cytogenetic location: 9q22.31.
Variant type: single nucleotide variant.
Coding change: c.6232C>T on transcript NM_006648.4 (MANE Select); coding-DNA position 6232, C replaced by T.
Protein change: p.Leu2078Phe; replaces leucine 2078 with phenylalanine.
Molecular consequence: missense variant.
Genome position (GRCh38, 1-based): chr9:93,306,794, C>T. VCF-style: chr9-93306794-C-T. GRCh37 (hg19) VCF-style: chr9-96069076-C-T.
Other names: c.6343C>T, p.Leu2115Phe (NM_001282394.3); short protein forms L2115F, L2078F.
Identifiers: ClinVar variation 5031812 (VCV005031812.1).